The following is an entry in ClinVar:

ClinVar aggregate classification (germline): Uncertain significance. Review status: criteria provided, multiple submitters, no conflicts (2 of 4 stars). 2 submissions from 2 submitters: Uncertain significance (2). Last evaluated 2021-02-02.

Conditions:
Cardiovascular phenotype. Identifiers: MedGen CN230736.

Submissions (2):

Ambry Genetics
Classification: Uncertain significance for Cardiovascular phenotype. Last evaluated: 2021-02-02. Review status: criteria provided, single submitter. Criteria: Ambry Variant Classification Scheme 2023. Collection method: clinical testing. Allele origin: germline.
Comment: The c.19326_19406del81 variant (also known as p.K6442_H6469delinsN), located in coding exon 77 of the TTN gene, results from an in-frame deletion of 81 nucleotides at nucleotide positions 19326 to 19406. This results in an in-frame deletion of 28 amino acids and insertion of an asparagine residue. This amino acid region is well conserved in available vertebrate species. Since supporting evidence is limited at this time, the clinical significance of this alteration remains unclear.

Laboratory for Molecular Medicine, Mass General Brigham Personalized Medicine
Classification: Uncertain significance. Last evaluated: 2012-09-10. Review status: criteria provided, single submitter. Criteria: LMM Criteria. Collection method: clinical testing. Allele origin: germline. Observed: 1 variant allele.
Comment: Variant classified as Uncertain Significance - Favor Pathogenic. The Lys12939_Hi s12966delinsAsn variant in TTN has not been reported in the literature nor previ ously identified by our laboratory. This variant deletes 28 amino acid residues from lysine (Lys) at position 12939 to histidine (His) at position 12966 and ins erts an asparagine (Asn), but does not alter the protein reading frame. While th is variant results in the loss of a section of the protein, it is unclear how th is variant may impact the protein. Additional studies are needed to fully assess the clinical significance of this variant.

NM_003319.4(TTN):c.19326_19406del (p.Lys6442_His6469delinsAsn)

Genes: TTN (titin; minus strand), TTN-AS1 (TTN antisense RNA 1; plus strand). Cytogenetic location: 2q31.2.
Variant type: Deletion.
Coding change: c.19326_19406del on transcript NM_003319.4; coding-DNA positions 19326 to 19406, 81 bases deleted.
Protein change: p.Lys6442_His6469delinsAsn.
Genome position (GRCh38, 1-based): chr2:178,619,716-178,619,796, 81 bases deleted. GRCh37 (hg19): chr2:179,484,444-179,484,524.
Other names: c.41598_41678del, p.Lys13866_His13893delinsAsn (NM_001256850.1); c.46521_46601del, p.Lys15507_His15534delinsAsn (NM_001267550.2); c.38817_38897del, p.Lys12939_His12966delinsAsn (NM_133378.4); c.19701_19781del, p.Lys6567_His6594delinsAsn (NM_133432.3); c.19902_19982del, p.Lys6634_His6661delinsAsn (NM_133437.4); c.19326_19406del81 (NM_003319.4).
Identifiers: ClinVar variation 46996 (VCV000046996.7), dbSNP rs1553713878, ClinGen allele CA139721.